The following is an entry in ClinVar:

NM_017534.6(MYH2):c.3176G>A (p.Arg1059Lys)

Genes: MYH2 (myosin heavy chain 2; minus strand), MYHAS (myosin heavy chain gene cluster antisense RNA; plus strand). Cytogenetic location: 17p13.1.
Variant type: single nucleotide variant.
Coding change: c.3176G>A on transcript NM_017534.6 (MANE Select); coding-DNA position 3176, G replaced by A.
Protein change: p.Arg1059Lys; replaces arginine 1059 with lysine.
Molecular consequence: missense variant.
Genome position (GRCh38, 1-based): chr17:10,529,423, C>T on the plus strand (G>A on the coding strand, the complement: MYH2 is on the minus strand). VCF-style: chr17-10529423-C-T. GRCh37 (hg19) VCF-style: chr17-10432740-C-T.
Other names: c.3176G>A, p.Arg1059Lys (NM_001100112.2); short protein forms R1059K.
Identifiers: ClinVar variation 1308748 (VCV001308748.2), dbSNP rs371178030, ClinGen allele CA287738967.
Genomic context (GRCh38, chr17:10,529,423, plus strand): 5'-TTCTCATTTTCAATGTCCATTATGGATTCTTGGGCCAACTTCAAGTCACCCTCAAGTTTC[C>T]TCTTAGCCCTTTCTAGGTCCATGCGAAGTTTCTTTTCTTGCTCCAAGGACCCTTCAAGCT-3'
Protein context (NP_060004.3, residues 1049-1069): KLRMDLERAK[Arg1059Lys]KLEGDLKLAQ

ClinVar aggregate classification (germline): Uncertain significance (1 of 4 stars; one submission).

Allele frequency attached by ClinVar (database versions not stated): gnomAD 0.00001; TOPMed 0.00001; ESP Exome Variant Server 0.00008.
gnomAD v4.1: 1 of 1,614,080 alleles (0.000062%); highest among the groups gnomAD compares: African/African-American, 0.0013%; no homozygotes.

Submission:

GeneDx
Classification: Uncertain significance. Last evaluated: 2019-10-02. Review status: criteria provided, single submitter. Criteria: GeneDx Variant Classification Process June 2021. Collection method: clinical testing. Allele origin: germline. Affected: yes.
Comment: Has not been previously published as pathogenic or benign to our knowledge; Not observed in large population cohorts (Lek et al., 2016); In silico analysis, which includes protein predictors and evolutionary conservation, supports that this variant does not alter protein structure/function